The following is an entry in ClinVar:

ClinVar aggregate classification (germline): Uncertain significance (1 of 4 stars; one submission).

Submission:

Labcorp Genetics (formerly Invitae), Labcorp
Classification: Uncertain significance. Last evaluated: 2024-01-04. Review status: criteria provided, single submitter. Criteria: Invitae Variant Classification Sherloc (09022015). Collection method: clinical testing. Allele origin: germline.
Comment: This sequence change falls in intron 5 of the DGUOK gene. It does not directly change the encoded amino acid sequence of the DGUOK protein. This variant is present in population databases (rs774323790, gnomAD 0.002%). This variant has not been reported in the literature in individuals affected with DGUOK-related conditions. ClinVar contains an entry for this variant (Variation ID: 337051). Algorithms developed to predict the effect of sequence changes on RNA splicing suggest that this variant may disrupt the consensus splice site. In summary, the available evidence is currently insufficient to determine the role of this variant in disease. Therefore, it has been classified as a Variant of Uncertain Significance.

NM_080918.3(DGUOK):c.444-907AAGT[3]

Gene: DGUOK (deoxyguanosine kinase; plus strand). Cytogenetic location: 2p13.1.
Variant type: Microsatellite.
Coding change: c.444-907AAGT[3] on transcript NM_080918.3; three copies in a row of the 4-base unit AAGT starting at c.444-907; the reference has two copies in a row; one copy, 4 bases duplicated.
Molecular consequence: intron variant.
Genome position (GRCh38, 1-based): chr2:73,957,243-73,957,246, AAGT duplicated; duplicating any 4 consecutive bases within chr2:73,957,239-73,957,246 gives the same sequence; the position shown is the placement nearest the transcript's 3' end. VCF-style (leftmost placement, unchanged base first): chr2-73957238-G-GAAGT. GRCh37 (hg19) VCF-style: chr2-74184365-G-GAAGT.
Other names: c.426-907AAGT[3] (NM_001318859.2).
Identifiers: ClinVar variation 337051 (VCV000337051.8), ClinGen allele CA1718328.
Genomic context (GRCh38, chr2:73,957,238, plus strand): 5'-GCTGGCCTATCTAGAGCAGCTGCATGGCCAACACGAAGCCTGGCTTATTCACAAGACAAC[G>GAAGT]AAGTAAGTGGGGAGAAAAGAATGTATCAGAGACAGAGACCTGGCTCCCAACAGCCAGTTG-3'